The following is an entry in ClinVar:

NM_006662.3(SRCAP):c.8021C>T (p.Ser2674Leu)

Gene: SRCAP (Snf2 related CREBBP activator protein; plus strand). Cytogenetic location: 16p11.2.
Variant type: single nucleotide variant.
Coding change: c.8021C>T on transcript NM_006662.3 (MANE Select); coding-DNA position 8021, C replaced by T.
Protein change: p.Ser2674Leu; replaces serine 2674 with leucine.
Molecular consequence: missense variant.
Genome position (GRCh38, 1-based): chr16:30,738,061, C>T. VCF-style: chr16-30738061-C-T. GRCh37 (hg19) VCF-style: chr16-30749382-C-T.
Other names: short protein forms S2674L.
Identifiers: ClinVar variation 3257336 (VCV003257336.19), dbSNP rs372720918.

ClinVar aggregate classification (germline): Uncertain significance. Review status: criteria provided, multiple submitters, no conflicts (2 of 4 stars). 2 submissions from 2 submitters: Uncertain significance (2). Last evaluated 2025-03-16.

Allele frequency attached by ClinVar (database versions not stated): gnomAD exomes below 0.00001; TOPMed 0.00001; ESP Exome Variant Server 0.00008.
gnomAD v4.1: 14 of 1,614,144 alleles (0.00087%); highest among the groups gnomAD compares: East Asian, 0.0022%; no homozygotes.

Submissions (2):

Labcorp Genetics (formerly Invitae), Labcorp
Classification: Uncertain significance. Last evaluated: 2025-03-16. Review status: criteria provided, single submitter. Criteria: Invitae Variant Classification Sherloc (09022015). Collection method: clinical testing. Allele origin: germline.
Comment: This sequence change replaces serine, which is neutral and polar, with leucine, which is neutral and non-polar, at codon 2674 of the SRCAP protein (p.Ser2674Leu). This variant is present in population databases (rs372720918, gnomAD 0.003%). This variant has not been reported in the literature in individuals affected with SRCAP-related conditions. ClinVar contains an entry for this variant (Variation ID: 3257336). Invitae Evidence Modeling of protein sequence and biophysical properties (such as structural, functional, and spatial information, amino acid conservation, physicochemical variation, residue mobility, and thermodynamic stability) indicates that this missense variant is not expected to disrupt SRCAP protein function with a negative predictive value of 80%. In summary, the available evidence is currently insufficient to determine the role of this variant in disease. Therefore, it has been classified as a Variant of Uncertain Significance.

CeGaT Center for Human Genetics Tuebingen
Classification: Uncertain significance. Last evaluated: 2024-07-01. Review status: criteria provided, single submitter. Criteria: CeGaT Center For Human Genetics Tuebingen Variant Classification Criteria Version 2. Collection method: clinical testing. Allele origin: germline. Affected: yes. Observed: 1 variant allele.
Comment: SRCAP: PM2, BP4